The following is an entry in ClinVar:

NM_014629.4(ARHGEF10):c.3352C>G (p.Leu1118Val)

Gene: ARHGEF10 (Rho guanine nucleotide exchange factor 10; plus strand). Cytogenetic location: 8p23.3.
Variant type: single nucleotide variant.
Coding change: c.3352C>G on transcript NM_014629.4 (MANE Select); coding-DNA position 3352, C replaced by G.
Protein change: p.Leu1118Val; replaces leucine 1118 with valine.
Molecular consequence: missense variant.
Genome position (GRCh38, 1-based): chr8:1,945,610, C>G. VCF-style: chr8-1945610-C-G. GRCh37 (hg19) VCF-style: chr8-1893776-C-G.
Other names: c.3238C>G, p.Leu1080Val (NM_001308152.2); c.3352C>G, p.Leu1118Val (NM_001308153.3); short protein forms L1118V, L1142V, L1080V.
Identifiers: ClinVar variation 1360502 (VCV001360502.9), dbSNP rs183575097, ClinGen allele CA4601307.

ClinVar aggregate classification (germline): Uncertain significance. Review status: criteria provided, multiple submitters, no conflicts (2 of 4 stars). 2 submissions from 2 submitters: Uncertain significance (2). Last evaluated 2026-01-05.

Allele frequency attached by ClinVar (database versions not stated): ExAC 0.00003; TOPMed 0.00039; 1000 Genomes Project 30x 0.00078; 1000 Genomes Project 0.00080; gnomAD exomes 0.00003; gnomAD 0.00011 and 0.00012.
gnomAD v4.1: 44 of 1,614,258 alleles (0.0027%); highest among the groups gnomAD compares: Admixed American, 0.055%; no homozygotes.

Submissions (2):

Labcorp Genetics (formerly Invitae), Labcorp
Classification: Uncertain significance. Last evaluated: 2026-01-05. Review status: criteria provided, single submitter. Criteria: Invitae Variant Classification Sherloc (09022015). Collection method: clinical testing. Allele origin: germline.
Comment: This sequence change replaces leucine, which is neutral and non-polar, with valine, which is neutral and non-polar, at codon 1118 of the ARHGEF10 protein (p.Leu1118Val). This variant is present in population databases (rs183575097, gnomAD 0.02%). This variant has not been reported in the literature in individuals affected with ARHGEF10-related conditions. ClinVar contains an entry for this variant (Variation ID: 1360502). Invitae Evidence Modeling of protein sequence and biophysical properties (such as structural, functional, and spatial information, amino acid conservation, physicochemical variation, residue mobility, and thermodynamic stability) has been performed for this missense variant. However, the output from this modeling did not meet the statistical confidence thresholds required to predict the impact of this variant on ARHGEF10 protein function. In summary, the available evidence is currently insufficient to determine the role of this variant in disease. Therefore, it has been classified as a Variant of Uncertain Significance.

Ambry Genetics
Classification: Uncertain significance. Last evaluated: 2025-08-01. Review status: criteria provided, single submitter. Criteria: Ambry Variant Classification Scheme 2023. Collection method: clinical testing. Allele origin: germline.